The following is an entry in ClinVar:

ClinVar aggregate classification (germline): Uncertain significance (1 of 4 stars; one submission).

Conditions:
Charcot-Marie-Tooth disease type 4. Also called: Charcot-Marie-Tooth, Type 4; Charcot-Marie-Tooth disease, type IV. Identifiers: Orphanet 64749, MedGen C4082197, MONDO:0018995.

Allele frequency attached by ClinVar (database versions not stated): gnomAD exomes below 0.00001; ExAC 0.00001.
gnomAD v4.1: 3 of 1,614,150 alleles (0.00019%); highest among the groups gnomAD compares: Non-Finnish European, 0.00025%; no homozygotes.

Submission:

Labcorp Genetics (formerly Invitae), Labcorp
Classification: Uncertain significance for Charcot-Marie-Tooth disease type 4. Last evaluated: 2019-05-13. Review status: criteria provided, single submitter. Criteria: Invitae Variant Classification Sherloc (09022015). Collection method: clinical testing. Allele origin: germline.
Comment: In summary, the available evidence is currently insufficient to determine the role of this variant in disease. Therefore, it has been classified as a Variant of Uncertain Significance. Algorithms developed to predict the effect of missense changes on protein structure and function (SIFT, PolyPhen-2, Align-GVGD) all suggest that this variant is likely to be disruptive, but these predictions have not been confirmed by published functional studies and their clinical significance is uncertain. This variant has not been reported in the literature in individuals with FGD4-related conditions. This variant is present in population databases (rs773514635, ExAC 0.001%). This sequence change replaces proline with leucine at codon 419 of the FGD4 protein (p.Pro419Leu). The proline residue is highly conserved and there is a moderate physicochemical difference between proline and leucine.

NM_001370298.3(FGD4):c.1667C>T (p.Pro556Leu)

Gene: FGD4 (FYVE, RhoGEF and PH domain containing 4; plus strand). Cytogenetic location: 12p11.21.
Variant type: single nucleotide variant.
Coding change: c.1667C>T on transcript NM_001370298.3 (MANE Select); coding-DNA position 1667, C replaced by T.
Protein change: p.Pro556Leu; replaces proline 556 with leucine.
Molecular consequence: missense variant.
Genome position (GRCh38, 1-based): chr12:32,611,201, C>T. VCF-style: chr12-32611201-C-T. GRCh37 (hg19) VCF-style: chr12-32764135-C-T.
Other names: c.1511C>T, p.Pro504Leu (NM_001304481.2); c.512C>T, p.Pro171Leu (NM_001304483.2); c.224C>T, p.Pro75Leu (NM_001304484.2); c.977C>T, p.Pro326Leu (NM_001330373.2, NM_001330374.2, NM_001384130.1); c.704C>T, p.Pro235Leu (NM_001370297.1); c.1667C>T, p.Pro556Leu (NM_001384126.1); c.1256C>T, p.Pro419Leu (NM_001384127.1, NM_001384128.1, NM_001385118.1 and 1 more transcripts); short protein forms P419L, P171L, P235L, P504L, P326L, P75L, P556L.
Identifiers: ClinVar variation 934215 (VCV000934215.9), dbSNP rs773514635, ClinGen allele CA6506853.